The following is an entry in ClinVar:

ClinVar aggregate classification (germline): Uncertain significance (1 of 4 stars; one submission).

Conditions:
OXTR-related disorder. Also called: OXTR-related condition.

Submission:

PreventionGenetics, part of Exact Sciences
Classification: Uncertain significance for OXTR-related condition. Last evaluated: 2025-03-06. Review status: criteria provided, single submitter. Criteria: ACMG Guidelines, 2015. Collection method: clinical testing. Allele origin: germline.
Comment: The OXTR c.956G>T variant is predicted to result in the amino acid substitution p.Ser319Ile. To our knowledge, this variant has not been reported in the literature or in a large population database (gnomAD), indicating this variant is rare. At this time, the clinical significance of this variant is uncertain due to the absence of conclusive functional and genetic evidence.

NM_000916.4(OXTR):c.956G>T (p.Ser319Ile)

Gene: OXTR (oxytocin receptor; minus strand). Cytogenetic location: 3p25.3.
Variant type: single nucleotide variant.
Coding change: c.956G>T on transcript NM_000916.4 (MANE Select); coding-DNA position 956, G replaced by T.
Protein change: p.Ser319Ile; replaces serine 319 with isoleucine.
Molecular consequence: missense variant.
Genome position (GRCh38, 1-based): chr3:8,753,191, C>A on the plus strand (G>T on the coding strand, the complement: OXTR is on the minus strand). VCF-style: chr3-8753191-C-A. GRCh37 (hg19) VCF-style: chr3-8794877-C-A.
Other names: c.956G>T, p.Ser319Ile (NM_001354653.2, NM_001354654.2, NM_001354655.2 and 1 more transcripts); short protein forms S319I.
Identifiers: ClinVar variation 4998076 (VCV004998076.1).